The following is an entry in ClinVar:

ClinVar aggregate classification (germline): Uncertain significance (1 of 4 stars; one submission).

Conditions:
Desmin-related myofibrillar myopathy (MFM1). Also called: Desminopathy; Desmin related myopathy (former name); Desmin storage myopathy (former name); MYOFIBRILLAR MYOPATHY WITH ARRHYTHMOGENIC RIGHT VENTRICULAR CARDIOMYOPATHY; DESMIN-RELATED MYOPATHY WITH ARRHYTHMOGENIC RIGHT VENTRICULAR CARDIOMYOPATHY; Myofibrillar myopathy 1. Identifiers: Orphanet 363543, Orphanet 98909, MedGen C1832370, MONDO:0011076, OMIM 601419.

Allele frequency attached by ClinVar (database versions not stated): TOPMed below 0.00001; ExAC 0.00001; gnomAD 0.00001; gnomAD exomes 0.00002.

Submission:

Labcorp Genetics (formerly Invitae), Labcorp
Classification: Uncertain significance for Desmin-related myofibrillar myopathy. Last evaluated: 2026-01-14. Review status: criteria provided, single submitter. Criteria: Invitae Variant Classification Sherloc (09022015). Collection method: clinical testing. Allele origin: germline.
Comment: This sequence change replaces methionine, which is neutral and non-polar, with threonine, which is neutral and polar, at codon 381 of the DES protein (p.Met381Thr). This variant is present in population databases (rs779749720, gnomAD 0.006%). This variant has not been reported in the literature in individuals affected with DES-related conditions. ClinVar contains an entry for this variant (Variation ID: 840172). Invitae Evidence Modeling of protein sequence and biophysical properties (such as structural, functional, and spatial information, amino acid conservation, physicochemical variation, residue mobility, and thermodynamic stability) has been performed for this missense variant. However, the output from this modeling did not meet the statistical confidence thresholds required to predict the impact of this variant on DES protein function. In summary, the available evidence is currently insufficient to determine the role of this variant in disease. Therefore, it has been classified as a Variant of Uncertain Significance.

NM_001927.4(DES):c.1142T>C (p.Met381Thr)

Gene: DES (desmin; plus strand). Cytogenetic location: 2q35.
Variant type: single nucleotide variant.
Coding change: c.1142T>C on transcript NM_001927.4 (MANE Select); coding-DNA position 1142, T replaced by C.
Protein change: p.Met381Thr; replaces methionine 381 with threonine.
Molecular consequence: missense variant.
Genome position (GRCh38, 1-based): chr2:219,421,458, T>C. VCF-style: chr2-219421458-T-C. GRCh37 (hg19) VCF-style: chr2-220286180-T-C.
Other names: short protein forms M381T.
Identifiers: ClinVar variation 840172 (VCV000840172.10), dbSNP rs779749720, ClinGen allele CA2125247.
Genomic context (GRCh38, chr2:219,421,458, plus strand): 5'-GTGGCTACCAGGACAACATTGCGCGCCTGGAGGAGGAAATCCGGCACCTCAAGGATGAGA[T>C]GGCCCGCCATCTGCGCGAGTACCAGGACCTGCTCAACGTGAAGATGGCCCTGGATGTGGA-3'
Protein context (NP_001918.3, residues 371-391): EEEIRHLKDE[Met381Thr]ARHLREYQDL